The following is an entry in ClinVar:

NM_001009944.3(PKD1):c.2807G>A (p.Arg936His)

Gene: PKD1 (polycystin 1, transient receptor potential channel interacting; minus strand). Cytogenetic location: 16p13.3.
Variant type: single nucleotide variant.
Coding change: c.2807G>A on transcript NM_001009944.3 (MANE Select); coding-DNA position 2807, G replaced by A.
Protein change: p.Arg936His; replaces arginine 936 with histidine.
Molecular consequence: missense variant.
Genome position (GRCh38, 1-based): chr16:2,114,216, C>T on the plus strand (G>A on the coding strand, the complement: PKD1 is on the minus strand). VCF-style: chr16-2114216-C-T. GRCh37 (hg19) VCF-style: chr16-2164217-C-T.
Other names: c.2807G>A, p.Arg936His (NM_000296.4); short protein forms R936H.
Identifiers: ClinVar variation 2392827 (VCV002392827.4), dbSNP rs369076601, ClinGen allele CA7833090.

ClinVar aggregate classification (germline): Uncertain significance. Review status: criteria provided, multiple submitters, no conflicts (2 of 4 stars). 2 submissions from 2 submitters: Uncertain significance (2). Last evaluated 2026-04-08.

Conditions:
PKD1-related disorder. Also called: PKD1-related condition.
Inborn genetic diseases. Identifiers: MedGen C0950123, MeSH D030342.

Allele frequency attached by ClinVar (database versions not stated): gnomAD 0.00005; ESP Exome Variant Server 0.00008; TOPMed 0.00008; gnomAD exomes 0.00013.
gnomAD v4.1: 196 of 1,609,630 alleles (0.012%); highest among the groups gnomAD compares: South Asian, 0.015%; no homozygotes.

Submissions (2):

PreventionGenetics, part of Exact Sciences
Classification: Uncertain significance for PKD1-related condition. Last evaluated: 2026-04-08. Review status: criteria provided, single submitter. Criteria: ACMG Guidelines, 2015. Collection method: clinical testing. Allele origin: germline.
Comment: The PKD1 c.2807G>A variant is predicted to result in the amino acid substitution p.Arg936His. To our knowledge, this variant has not been reported in the literature. This variant is reported in 0.023% of alleles in individuals of South Asian descent in gnomAD, which may be too common to be a primary cause of disease. Although we suspect that this variant may be benign, at this time, the clinical significance of this variant is uncertain due to the absence of conclusive functional and genetic evidence.

Ambry Genetics
Classification: Uncertain significance for Inborn genetic diseases. Last evaluated: 2024-11-25. Review status: criteria provided, single submitter. Criteria: Ambry Variant Classification Scheme 2023. Collection method: clinical testing. Allele origin: germline.